The following is an entry in ClinVar:

ClinVar aggregate classification (germline): Uncertain significance (1 of 4 stars; one submission).

Allele frequency attached by ClinVar (database versions not stated): TOPMed 0.00041; ESP Exome Variant Server 0.00046; gnomAD 0.00046; gnomAD exomes 0.00084; ExAC 0.00098.

Submission:

Labcorp Genetics (formerly Invitae), Labcorp
Classification: Uncertain significance. Last evaluated: 2025-10-24. Review status: criteria provided, single submitter. Criteria: Invitae Variant Classification Sherloc (09022015). Collection method: clinical testing. Allele origin: germline.
Comment: This sequence change replaces proline, which is neutral and non-polar, with serine, which is neutral and polar, at codon 139 of the EIF2AK1 protein (p.Pro139Ser). This variant is present in population databases (rs55963745, gnomAD 0.1%), and has an allele count higher than expected for a pathogenic variant. This variant has not been reported in the literature in individuals affected with EIF2AK1-related conditions. ClinVar contains an entry for this variant (Variation ID: 2054847). An algorithm developed to predict the effect of missense changes on protein structure and function outputs the following: PolyPhen-2: "Benign". The serine amino acid residue is found in multiple mammalian species, which suggests that this missense change does not adversely affect protein function. In summary, the available evidence is currently insufficient to determine the role of this variant in disease. Therefore, it has been classified as a Variant of Uncertain Significance.

NM_014413.4(EIF2AK1):c.415C>T (p.Pro139Ser)

Gene: EIF2AK1 (eukaryotic translation initiation factor 2 alpha kinase 1; minus strand). Cytogenetic location: 7p22.1.
Variant type: single nucleotide variant.
Coding change: c.415C>T on transcript NM_014413.4 (MANE Select); coding-DNA position 415, C replaced by T.
Protein change: p.Pro139Ser; replaces proline 139 with serine.
Molecular consequence: missense variant.
Genome position (GRCh38, 1-based): chr7:6,048,841, G>A on the plus strand (C>T on the coding strand, the complement: EIF2AK1 is on the minus strand). VCF-style: chr7-6048841-G-A. GRCh37 (hg19) VCF-style: chr7-6088472-G-A.
Other names: c.415C>T, p.Pro139Ser (NM_001134335.2); short protein forms P139S.
Identifiers: ClinVar variation 2054847 (VCV002054847.4), dbSNP rs55963745, ClinGen allele CA4151222.